The following is an entry in ClinVar:

NM_012418.4(FSCN2):c.1051C>T (p.Arg351Cys)

Gene: FSCN2 (fascin actin-bundling protein 2, retinal; plus strand). Cytogenetic location: 17q25.3.
Variant type: single nucleotide variant.
Coding change: c.1051C>T on transcript NM_012418.4 (MANE Select); coding-DNA position 1051, C replaced by T.
Protein change: p.Arg351Cys; replaces arginine 351 with cysteine.
Molecular consequence: missense variant.
Genome position (GRCh38, 1-based): chr17:81,536,213, C>T. VCF-style: chr17-81536213-C-T. GRCh37 (hg19) VCF-style: chr17-79503239-C-T.
Other names: c.1051C>T, p.Arg351Cys (NM_001077182.3); c.1051C>T (NM_001077182.2); short protein forms R351C.
Identifiers: ClinVar variation 2069134 (VCV002069134.5), dbSNP rs371223700, ClinGen allele CA8836938.

ClinVar aggregate classification (germline): Uncertain significance. Review status: criteria provided, multiple submitters, no conflicts (2 of 4 stars). 2 submissions from 2 submitters: Uncertain significance (2). Last evaluated 2025-10-14.

Allele frequency attached by ClinVar (database versions not stated): TOPMed 0.00005; ExAC 0.00006; ESP Exome Variant Server 0.00008; gnomAD 0.00010; 1000 Genomes Project 30x 0.00016; 1000 Genomes Project 0.00020.
gnomAD v4.1: 94 of 1,600,636 alleles (0.0059%); highest among the groups gnomAD compares: Admixed American, 0.01%; 1 homozygote.

Submissions (2):

Labcorp Genetics (formerly Invitae), Labcorp
Classification: Uncertain significance. Last evaluated: 2025-10-14. Review status: criteria provided, single submitter. Criteria: Invitae Variant Classification Sherloc (09022015). Collection method: clinical testing. Allele origin: germline.
Comment: This sequence change replaces arginine, which is basic and polar, with cysteine, which is neutral and slightly polar, at codon 351 of the FSCN2 protein (p.Arg351Cys). This variant is present in population databases (rs371223700, gnomAD 0.009%). This variant has not been reported in the literature in individuals affected with FSCN2-related conditions. ClinVar contains an entry for this variant (Variation ID: 2069134). An algorithm developed to predict the effect of missense changes on protein structure and function (PolyPhen-2) suggests that this variant is likely to be disruptive. In summary, the available evidence is currently insufficient to determine the role of this variant in disease. Therefore, it has been classified as a Variant of Uncertain Significance.

Ambry Genetics
Classification: Uncertain significance. Last evaluated: 2025-08-23. Review status: criteria provided, single submitter. Criteria: Ambry Variant Classification Scheme 2023. Collection method: clinical testing. Allele origin: germline.